The following is an entry in ClinVar:

NM_001844.5(COL2A1):c.2812C>A (p.Pro938Thr)

Gene: COL2A1 (collagen type II alpha 1 chain; minus strand). Cytogenetic location: 12q13.11.
Variant type: single nucleotide variant.
Coding change: c.2812C>A on transcript NM_001844.5 (MANE Select); coding-DNA position 2812, C replaced by A.
Protein change: p.Pro938Thr; replaces proline 938 with threonine.
Molecular consequence: missense variant.
Genome position (GRCh38, 1-based): chr12:47,978,680, G>T on the plus strand (C>A on the coding strand, the complement: COL2A1 is on the minus strand). VCF-style: chr12-47978680-G-T. GRCh37 (hg19) VCF-style: chr12-48372463-G-T.
Other names: c.2605C>A, p.Pro869Thr (NM_033150.3); short protein forms P869T, P938T.
Identifiers: ClinVar variation 1016382 (VCV001016382.9), dbSNP rs200772957, ClinGen allele CA384542193.

ClinVar aggregate classification (germline): Uncertain significance. Review status: criteria provided, multiple submitters, no conflicts (2 of 4 stars). 2 submissions from 2 submitters: Uncertain significance (2). Last evaluated 2022-11-08.

Allele frequency attached by ClinVar (database versions not stated): gnomAD 0.00001.
gnomAD v4.1: 1 of 1,613,210 alleles (0.000062%); no homozygotes.

Submissions (2):

Blueprint Genetics
Classification: Uncertain significance. Last evaluated: 2022-11-08. Review status: criteria provided, single submitter. Criteria: ACMG Guidelines, 2015. Collection method: clinical testing. Allele origin: germline.

Labcorp Genetics (formerly Invitae), Labcorp
Classification: Uncertain significance. Last evaluated: 2022-11-01. Review status: criteria provided, single submitter. Criteria: Invitae Variant Classification Sherloc (09022015). Collection method: clinical testing. Allele origin: germline.
Comment: This sequence change replaces proline, which is neutral and non-polar, with threonine, which is neutral and polar, at codon 938 of the COL2A1 protein (p.Pro938Thr). This variant is not present in population databases (gnomAD no frequency). This variant has not been reported in the literature in individuals affected with COL2A1-related conditions. ClinVar contains an entry for this variant (Variation ID: 1016382). Advanced modeling of protein sequence and biophysical properties (such as structural, functional, and spatial information, amino acid conservation, physicochemical variation, residue mobility, and thermodynamic stability) performed at Invitae indicates that this missense variant is not expected to disrupt COL2A1 protein function. In summary, the available evidence is currently insufficient to determine the role of this variant in disease. Therefore, it has been classified as a Variant of Uncertain Significance.